The following is an entry in ClinVar:

ClinVar aggregate classification (germline): Uncertain significance. Review status: criteria provided, multiple submitters, no conflicts (2 of 4 stars). 3 submissions from 3 submitters: Uncertain significance (3). Last evaluated 2023-11-02.

Conditions:
Bethlem myopathy 1A. Also called: Bethlem Muscular Dystrophy; MYOPATHY, BENIGN CONGENITAL, WITH CONTRACTURES; Bethlem myopathy 1. Identifiers: Orphanet 610, MedGen CN029274, MONDO:0024530, OMIM 158810.

Allele frequency attached by ClinVar (database versions not stated): gnomAD exomes below 0.00001 and 0.00002; TOPMed below 0.00001; ExAC 0.00001.
gnomAD v4.1: 36 of 1,614,238 alleles (0.0022%); highest among the groups gnomAD compares: Non-Finnish European, 0.0027%; no homozygotes.

Submissions (3):

Mayo Clinic Laboratories, Mayo Clinic
Classification: Uncertain significance. Last evaluated: 2023-11-02. Review status: criteria provided, single submitter. Criteria: ACMG Guidelines, 2015. Collection method: clinical testing. Allele origin: germline. Observed: 1 variant allele.
Comment: PP3

Labcorp Genetics (formerly Invitae), Labcorp
Classification: Uncertain significance for Bethlem myopathy 1A. Last evaluated: 2022-05-10. Review status: criteria provided, single submitter. Criteria: Invitae Variant Classification Sherloc (09022015). Collection method: clinical testing. Allele origin: germline.
Comment: In summary, the available evidence is currently insufficient to determine the role of this variant in disease. Therefore, it has been classified as a Variant of Uncertain Significance. Algorithms developed to predict the effect of missense changes on protein structure and function are either unavailable or do not agree on the potential impact of this missense change (SIFT: "Deleterious"; PolyPhen-2: "Probably Damaging"; Align-GVGD: "Class C0"). ClinVar contains an entry for this variant (Variation ID: 938432). This variant has not been reported in the literature in individuals affected with COL6A3-related conditions. This variant is present in population databases (rs753741086, gnomAD 0.002%). This sequence change replaces valine, which is neutral and non-polar, with glycine, which is neutral and non-polar, at codon 681 of the COL6A3 protein (p.Val681Gly).

GeneDx
Classification: Uncertain significance. Last evaluated: 2020-10-28. Review status: criteria provided, single submitter. Criteria: GeneDx Variant Classification Process June 2021. Collection method: clinical testing. Allele origin: germline. Affected: yes.
Comment: Not observed at a significant frequency in large population cohorts (Lek et al., 2016); In silico analysis supports that this missense variant has a deleterious effect on protein structure/function; Has not been previously published as pathogenic or benign to our knowledge

NM_004369.4(COL6A3):c.2042T>G (p.Val681Gly)

Gene: COL6A3 (collagen type VI alpha 3 chain; minus strand). Cytogenetic location: 2q37.3.
Variant type: single nucleotide variant.
Coding change: c.2042T>G on transcript NM_004369.4 (MANE Select); coding-DNA position 2042, T replaced by G.
Protein change: p.Val681Gly; replaces valine 681 with glycine.
Molecular consequence: missense variant. On other transcripts: intron variant (1).
Genome position (GRCh38, 1-based): chr2:237,379,091, A>C on the plus strand (T>G on the coding strand, the complement: COL6A3 is on the minus strand). VCF-style: chr2-237379091-A-C. GRCh37 (hg19) VCF-style: chr2-238287734-A-C.
Other names: p.Val681Gly; c.821T>G, p.Val274Gly (NM_057164.5); c.1424T>G, p.Val475Gly (NM_057165.5, NM_057167.4); c.677-1747T>G (NM_057166.5); short protein forms V681G, V274G, V475G.
Identifiers: ClinVar variation 938432 (VCV000938432.14), dbSNP rs753741086, ClinGen allele CA2189491.
Genomic context (GRCh38, chr2:237,379,091, plus strand): 5'-TCTGACTTGGTCTGGTATGTGTTTAAAGAGAACTCCGTTACAGGAGTGTCACTAAATTGC[A>C]CTAAACCAACACGAATATTGTCATTTCCAATATCAAGGCTGTTAACTAGGTTCATTACAA-3'
Protein context (NP_004360.2, residues 671-691): IGNDNIRVGL[Val681Gly]QFSDTPVTEF